The following is an entry in ClinVar:

ClinVar aggregate classification (germline): Benign/Likely benign. Review status: criteria provided, multiple submitters, no conflicts (2 of 4 stars). 4 submissions from 4 submitters: Benign (2); Likely benign (2). Last evaluated 2026-04-24.

Conditions:
Colorectal cancer, susceptibility to, 1. Also called: COLORECTAL ADENOMA AND CANCER, SUSCEPTIBILITY TO; COLORECTAL CANCER, SUSCEPTIBILITY TO, ON CHROMOSOME 9. Identifiers: MedGen C1837315, MONDO:0012132, OMIM 608812.

Allele frequency attached by ClinVar (database versions not stated): 1000 Genomes Project 30x 0.00047; TOPMed 0.00005; 1000 Genomes Project 0.00040.
gnomAD v4.1: 112 of 1,613,802 alleles (0.0069%); highest among the groups gnomAD compares: African/African-American, 0.012%; no homozygotes.

Submissions (4):

Myriad Genetics, Inc.
Classification: Benign for Colorectal cancer, susceptibility to, 1. Last evaluated: 2026-04-24. Review status: criteria provided, single submitter. Criteria: Myriad Autosomal Dominant, Autosomal Recessive and X-Linked Classification Criteria (2023). Collection method: clinical testing. Allele origin: unknown.
Comment: This variant is considered benign. This variant is a silent/synonymous amino acid change and it is not expected to impact splicing.

Labcorp Genetics (formerly Invitae), Labcorp
Classification: Likely benign. Last evaluated: 2025-07-21. Review status: criteria provided, single submitter. Criteria: Invitae Variant Classification Sherloc (09022015). Collection method: clinical testing. Allele origin: germline.

Quest Diagnostics Nichols Institute San Juan Capistrano
Classification: Benign. Last evaluated: 2023-05-07. Review status: criteria provided, single submitter. Criteria: Quest Diagnostics criteria. Collection method: clinical testing. Allele origin: unknown.

Ambry Genetics
Classification: Likely benign. Last evaluated: 2018-11-21. Review status: criteria provided, single submitter. Criteria: Ambry Variant Classification Scheme 2023. Collection method: clinical testing. Allele origin: germline.

NM_024642.5(GALNT12):c.903C>T (p.Pro301=)

Gene: GALNT12 (polypeptide N-acetylgalactosaminyltransferase 12; plus strand). Cytogenetic location: 9q22.33.
Variant type: single nucleotide variant.
Coding change: c.903C>T on transcript NM_024642.5 (MANE Select); coding-DNA position 903, C replaced by T.
Protein change: p.Pro301=; no amino-acid change (proline 301 retained).
Molecular consequence: synonymous variant.
Genome position (GRCh38, 1-based): chr9:98,831,943, C>T. VCF-style: chr9-98831943-C-T. GRCh37 (hg19) VCF-style: chr9-101594225-C-T.
Identifiers: ClinVar variation 485663 (VCV000485663.16), dbSNP rs191834824, ClinGen allele CA5154094.